The following is an entry in ClinVar:

NM_001297.5(CNGB1):c.3571G>A (p.Glu1191Lys)

Gene: CNGB1 (cyclic nucleotide gated channel subunit beta 1; minus strand). Cytogenetic location: 16q21.
Variant type: single nucleotide variant.
Coding change: c.3571G>A on transcript NM_001297.5 (MANE Select); coding-DNA position 3571, G replaced by A.
Protein change: p.Glu1191Lys; replaces glutamic acid 1191 with lysine.
Molecular consequence: missense variant.
Genome position (GRCh38, 1-based): chr16:57,884,349, C>T on the plus strand (G>A on the coding strand, the complement: CNGB1 is on the minus strand). VCF-style: chr16-57884349-C-T. GRCh37 (hg19) VCF-style: chr16-57918253-C-T.
Other names: c.3553G>A, p.Glu1185Lys (NM_001286130.2); short protein forms E1185K, E1191K.
Identifiers: ClinVar variation 1377806 (VCV001377806.8), dbSNP rs777912112, ClinGen allele CA8082503.

ClinVar aggregate classification (germline): Uncertain significance (1 of 4 stars; one submission).

Allele frequency attached by ClinVar (database versions not stated): gnomAD exomes below 0.00001; ExAC 0.00001.
gnomAD v4.1: 1 of 1,568,748 alleles (0.000064%); highest among the groups gnomAD compares: South Asian, 0.0011%; no homozygotes.

Submission:

Labcorp Genetics (formerly Invitae), Labcorp
Classification: Uncertain significance. Last evaluated: 2021-06-09. Review status: criteria provided, single submitter. Criteria: Invitae Variant Classification Sherloc (09022015). Collection method: clinical testing. Allele origin: germline.
Comment: The frequency data for this variant in the population databases is considered unreliable, as metrics indicate poor data quality at this position in the ExAC database. This sequence change replaces glutamic acid with lysine at codon 1191 of the CNGB1 protein (p.Glu1191Lys). The glutamic acid residue is weakly conserved and there is a small physicochemical difference between glutamic acid and lysine. This variant has not been reported in the literature in individuals with CNGB1-related conditions. Advanced modeling of protein sequence and biophysical properties (such as structural, functional, and spatial information, amino acid conservation, physicochemical variation, residue mobility, and thermodynamic stability) performed at Invitae indicates that this missense variant is not expected to disrupt CNGB1 protein function. In summary, the available evidence is currently insufficient to determine the role of this variant in disease. Therefore, it has been classified as a Variant of Uncertain Significance.